The following is an entry in ClinVar:

NM_024120.5(NDUFAF5):c.27_29delinsG (p.Leu10fs)

Genes: NDUFAF5 (NADH:ubiquinone oxidoreductase complex assembly factor 5; plus strand), LOC130065433 (ATAC-STARR-seq lymphoblastoid active region 17552; plus strand). Cytogenetic location: 20p12.1.
Variant type: Indel.
Coding change: c.27_29delinsG on transcript NM_024120.5 (MANE Select); coding-DNA positions 27 to 29, CTT replaced by G.
Protein change: p.Leu10fs; shifts the reading frame from leucine 10.
Molecular consequence: frameshift variant. On other transcripts: 5 prime UTR variant (3), non-coding transcript variant (7).
Genome position (GRCh38, 1-based): chr20:13,785,095-13,785,097, CTT replaced by G. VCF-style: chr20-13785095-CTT-G. GRCh37 (hg19) VCF-style: chr20-13765741-CTT-G.
Other names: c.27_29delinsG, p.Leu10fs (NM_001039375.3, NM_001352408.2); c.-341_-339delinsG (NM_001352403.2); c.-555_-553delinsG (NM_001352406.2); c.-669_-667delinsG (NM_001352407.2); short protein forms L10fs.
Identifiers: ClinVar variation 1331407 (VCV001331407.1), dbSNP rs2147463824, ClinGen allele CA2573054855.

ClinVar aggregate classification (germline): Likely pathogenic (1 of 4 stars; one submission).

Conditions:
Leigh syndrome (NULS). Also called: Leigh's syndrome; Subacute necrotizing encephalopathy; Necrotizing encephalopathy infantile subacute of Leigh; Leigh Disease; LEIGH SYNDROME, NUCLEAR; Leigh's necrotizing encephalopathy. Identifiers: Orphanet 506, MedGen C2931891, MONDO:0009723, OMIM 256000.

Submission:

Women's Health and Genetics/Laboratory Corporation of America, LabCorp
Classification: Likely pathogenic for Leigh syndrome. Last evaluated: 2021-12-14. Review status: criteria provided, single submitter. Criteria: LabCorp Variant Classification Summary - May 2015. Collection method: clinical testing. Allele origin: germline.
Comment: Variant summary: NDUFAF5 c.27_29delinsG (p.Leu10MetfsX17) results in a premature termination codon, predicted to cause a truncation of the encoded protein or absence of the protein due to nonsense mediated decay, which are commonly known mechanisms for disease. Truncations downstream of this position have been classified as pathogenic by our laboratory. The variant was absent in 278604 control chromosomes (gnomAD). To our knowledge, no occurrence of c.27_29delinsG in individuals affected with Leigh Syndrome and no experimental evidence demonstrating its impact on protein function have been reported. No clinical diagnostic laboratories have submitted clinical-significance assessments for this variant to ClinVar after 2014. Based on the evidence outlined above, the variant was classified as likely pathogenic.